The following is an entry in ClinVar:

NM_001142800.2(EYS):c.5836-3C>T

Gene: EYS (EGF-like photoreceptor maintenance factor; minus strand). Cytogenetic location: 6q12.
Variant type: single nucleotide variant.
Coding change: c.5836-3C>T on transcript NM_001142800.2 (MANE Select); 3 bases into the intron before coding-DNA position 5836, C replaced by T.
Molecular consequence: intron variant.
Genome position (GRCh38, 1-based): chr6:64,436,268, G>A on the plus strand (C>T on the coding strand, the complement: EYS is on the minus strand). VCF-style: chr6-64436268-G-A. GRCh37 (hg19) VCF-style: chr6-65146161-G-A.
Other names: c.5836-3C>T (NM_001292009.2).
Identifiers: ClinVar variation 858114 (VCV000858114.7), dbSNP rs748977292, ClinGen allele CA140321739.
Genomic context (GRCh38, chr6:64,436,268, plus strand): 5'-CTCTAACAGTAGTATTAATGCTTTTAAATTTTGCTTCACCAGGACAGTAAAAGTGGTACT[G>A]TTGGGGGAAAAAATTTTGTCCTCAAACAGTTTTTCAGCATGAAATTAATACCATATATTT-3'

ClinVar aggregate classification (germline): Pathogenic. Review status: criteria provided, multiple submitters, no conflicts (2 of 4 stars). 3 submissions from 3 submitters: Pathogenic (2). 1 of the submissions does not count toward it. Last evaluated 2025-11-13.

Conditions:
Retinitis pigmentosa 25 (RP25). Identifiers: Orphanet 791, MedGen C1864446, MONDO:0011272, OMIM 602772.
EYS-related disorder. Also called: EYS-related condition.

Allele frequency attached by ClinVar (database versions not stated): gnomAD exomes 0.00001; TOPMed 0.00002.
gnomAD v4.1: 38 of 1,526,188 alleles (0.0025%); highest among the groups gnomAD compares: Non-Finnish European, 0.0028%; no homozygotes.

Submissions (3):

Labcorp Genetics (formerly Invitae), Labcorp
Classification: Pathogenic. Last evaluated: 2025-11-13. Review status: criteria provided, single submitter. Criteria: Invitae Variant Classification Sherloc (09022015). Collection method: clinical testing. Allele origin: germline.
Comment: This sequence change falls in intron 27 of the EYS gene. It does not directly change the encoded amino acid sequence of the EYS protein. It affects a nucleotide within the consensus splice site. This variant is present in population databases (rs748977292, gnomAD 0.007%). This variant has been observed in individuals with EYS-related conditions (internal data). ClinVar contains an entry for this variant (Variation ID: 858114). Variants that disrupt the consensus splice site are a relatively common cause of aberrant splicing (PMID: 17576681, 9536098). Algorithms developed to predict the effect of sequence changes on RNA splicing suggest that this variant may disrupt the consensus splice site. For these reasons, this variant has been classified as Pathogenic.

Blueprint Genetics
Classification: Pathogenic for EYS-related disorders. Last evaluated: 2023-08-03. Review status: criteria provided, single submitter. Criteria: ACMG Guidelines, 2015. Collection method: clinical testing. Allele origin: germline. Affected: yes. Observed: 5 variant alleles.

Natera, Inc.
Classification: Uncertain significance for Retinitis pigmentosa type 25. Last evaluated: 2020-07-28. Review status: no assertion criteria provided. Collection method: clinical testing. Allele origin: germline. Not counted in ClinVar's aggregate classification.

Literature cited by the submitters: PubMed 17576681 (cited by Labcorp Genetics (formerly Invitae), Labcorp); PubMed 9536098 (cited by Labcorp Genetics (formerly Invitae), Labcorp).